The following is an entry in ClinVar:

ClinVar aggregate classification (germline): Uncertain significance (1 of 4 stars; one submission).

gnomAD v4.1: 2 of 1,550,878 alleles (0.00013%); highest among the groups gnomAD compares: Non-Finnish European, 0.00017%; no homozygotes.

Submission:

CeGaT Center for Human Genetics Tuebingen
Classification: Uncertain significance. Last evaluated: 2025-05-01. Review status: criteria provided, single submitter. Criteria: CeGaT Center For Human Genetics Tuebingen Variant Classification Criteria Version 2. Collection method: clinical testing. Allele origin: germline. Affected: yes. Observed: 2 variant alleles.
Comment: CHRNE: PM2, PM3:Supporting, PP3

NM_000080.4(CHRNE):c.917+372C>T

Genes: C17orf107 (chromosome 17 open reading frame 107; plus strand), CHRNE (cholinergic receptor nicotinic epsilon subunit; minus strand). Cytogenetic location: 17p13.2.
Variant type: single nucleotide variant.
Coding change: c.917+372C>T on transcript NM_000080.4 (MANE Select); 372 bases into the intron after coding-DNA position 917, C replaced by T.
Molecular consequence: intron variant. On other transcripts: missense variant (1).
Genome position (GRCh38, 1-based): chr17:4,900,421, G>A on the plus strand (C>T on the coding strand, the complement: CHRNE is on the minus strand). VCF-style: chr17-4900421-G-A. GRCh37 (hg19) VCF-style: chr17-4803716-G-A.
Other names: c.461G>A, p.Cys154Tyr (NM_001145536.2); short protein forms C154Y.
Identifiers: ClinVar variation 3772042 (VCV003772042.13).